The following is an entry in ClinVar:

ClinVar aggregate classification (germline): Likely benign (1 of 4 stars; one submission).

Submission:

CeGaT Center for Human Genetics Tuebingen
Classification: Likely benign. Last evaluated: 2025-12-01. Review status: criteria provided, single submitter. Criteria: CeGaT Center For Human Genetics Tuebingen Variant Classification Criteria Version 2. Collection method: clinical testing. Allele origin: germline. Affected: yes. Observed: 1 variant allele.
Comment: MUC5B: PM4:Supporting, BS1

NM_002458.3(MUC5B):c.8950TCC[1] (p.Ser2985del)

Genes: MUC5B (mucin 5B, oligomeric mucus/gel-forming; plus strand), MUC5B-AS1 (MUC5B antisense RNA 1; minus strand). Cytogenetic location: 11p15.5.
Variant type: Microsatellite.
Coding change: c.8950TCC[1] on transcript NM_002458.3 (MANE Select); one copy of the 3-base unit TCC starting at c.8950; the reference has two copies in a row; one copy, 3 bases deleted.
Protein change: p.Ser2985del; deletes serine 2985.
Genome position (GRCh38, 1-based): chr11:1,245,833-1,245,835, TCC deleted; deleting any 3 consecutive bases within chr11:1,245,828-1,245,835 gives the same sequence; the position shown is the placement nearest the transcript's 3' end. VCF-style (leftmost placement, unchanged base first): chr11-1245827-CCCT-C. GRCh37 (hg19) VCF-style: chr11-1267057-CCCT-C.
Other names: short protein forms S2985del.
Identifiers: ClinVar variation 4681488 (VCV004681488.5).